The following is an entry in ClinVar:

NM_022552.5(DNMT3A):c.663_675del (p.Ile221fs)

Gene: DNMT3A (DNA methyltransferase 3 alpha; minus strand). Cytogenetic location: 2p23.3.
Variant type: Deletion.
Coding change: c.663_675del on transcript NM_022552.5 (MANE Select); coding-DNA positions 663 to 675, 13 bases deleted (TGCAGGAATGAAT).
Protein change: p.Ile221fs; shifts the reading frame from isoleucine 221.
Molecular consequence: frameshift variant. On other transcripts: initiator codon variant (1), non-coding transcript variant (1).
Genome position (GRCh38, 1-based): chr2:25,248,217-25,248,229, ATTCATTCCTGCA deleted on the plus strand (TGCAGGAATGAAT on the coding strand, the reverse complement: DNMT3A is on the minus strand); deleting any 13 consecutive bases within chr2:25,248,217-25,248,231 gives the same sequence; the c. name uses the placement nearest the transcript's 3' end. VCF-style (leftmost placement, unchanged base first): chr2-25248216-CATTCATTCCTGCA-C. GRCh37 (hg19) VCF-style: chr2-25471085-CATTCATTCCTGCA-C.
Other names: c.207_219del, p.Ile69fs (NM_001320893.1); c.-7_6del, p.Met1fs (NM_001375819.1); c.96_108del, p.Ile32fs (NM_153759.3); c.663_675del, p.Ile221fs (NM_175629.2); short protein forms I69fs, I221fs, I32fs, M1fs.
Identifiers: ClinVar variation 3647058 (VCV003647058.2).

ClinVar aggregate classification (germline): Pathogenic (1 of 4 stars; one submission).

Conditions:
Tatton-Brown-Rahman overgrowth syndrome. Also called: Tall stature-intellectual disability-facial dysmorphism syndrome; Tatton-Brown-Rahman syndrome. Identifiers: Orphanet 404443, MedGen C4014545, MONDO:0014382, OMIM 615879.

Submission:

Labcorp Genetics (formerly Invitae), Labcorp
Classification: Pathogenic for Tatton-Brown-Rahman overgrowth syndrome. Last evaluated: 2024-03-28. Review status: criteria provided, single submitter. Criteria: Invitae Variant Classification Sherloc (09022015). Collection method: clinical testing. Allele origin: germline.
Comment: This sequence change creates a premature translational stop signal (p.Ile221Metfs*91) in the DNMT3A gene. It is expected to result in an absent or disrupted protein product. Loss-of-function variants in DNMT3A are known to be pathogenic (PMID: 24614070). This variant is not present in population databases (gnomAD no frequency). This variant has not been reported in the literature in individuals affected with DNMT3A-related conditions. For these reasons, this variant has been classified as Pathogenic.

Literature cited by the submitters: PubMed 24614070.